The following is an entry in ClinVar:

ClinVar aggregate classification (germline): Uncertain significance (1 of 4 stars; one submission).

Submission:

GeneDx
Classification: Uncertain significance. Last evaluated: 2023-12-20. Review status: criteria provided, single submitter. Criteria: GeneDx Variant Classification Process June 2021. Collection method: clinical testing. Allele origin: germline. Affected: yes.
Comment: Not observed at significant frequency in large population cohorts (gnomAD); In silico analysis supports that this variant does not alter splicing; Has not been previously published as pathogenic or benign to our knowledge

NM_001349253.2(SCN11A):c.386+1A>G

Gene: SCN11A (sodium voltage-gated channel alpha subunit 11; minus strand). Cytogenetic location: 3p22.2.
Variant type: single nucleotide variant.
Coding change: c.386+1A>G on transcript NM_001349253.2 (MANE Select); the canonical splice donor site of the intron after coding-DNA position 386, A replaced by G.
Molecular consequence: splice donor variant.
Genome position (GRCh38, 1-based): chr3:38,946,788, T>C on the plus strand (A>G on the coding strand, the complement: SCN11A is on the minus strand). VCF-style: chr3-38946788-T-C. GRCh37 (hg19) VCF-style: chr3-38988279-T-C.
Other names: c.386+1A>G (NM_014139.3).
Identifiers: ClinVar variation 3340354 (VCV003340354.1).
Genomic context (GRCh38, chr3:38,946,788, plus strand): 5'-CGTGGGGCACGTGCACTTTTCAAATGATCTGGACTTAGTAAAAGGTGCAATGAAAGGATA[T>C]GAATGGACTGAGACTCTAATGGCTAAACTTCTGATTGAATTGAAAGGCCCAAAAATGAAC-3'